The following is an entry in ClinVar:

NM_001079872.2(CUL4B):c.1962G>A (p.Pro654=)

Gene: CUL4B (cullin 4B; minus strand). Cytogenetic location: Xq24.
Variant type: single nucleotide variant.
Coding change: c.1962G>A on transcript NM_001079872.2 (MANE Select); coding-DNA position 1962, G replaced by A.
Protein change: p.Pro654=; no amino-acid change (proline 654 retained).
Molecular consequence: synonymous variant.
Genome position (GRCh38, 1-based): chrX:120,537,011, C>T on the plus strand (G>A on the coding strand, the complement: CUL4B is on the minus strand). VCF-style: chrX-120537011-C-T. GRCh37 (hg19) VCF-style: chrX-119670866-C-T.
Other names: c.1977G>A, p.Pro659= (NM_001330624.2); c.1428G>A, p.Pro476= (NM_001369145.1); c.2016G>A, p.Pro672= (NM_003588.4).
Identifiers: ClinVar variation 719923 (VCV000719923.37), dbSNP rs185389157, ClinGen allele CA10505464.

ClinVar aggregate classification (germline): Benign/Likely benign. Review status: criteria provided, multiple submitters, no conflicts (2 of 4 stars). 4 submissions from 4 submitters: Benign (2); Likely benign (2). Last evaluated 2025-10-01.

Conditions:
X-linked intellectual disability Cabezas type (MRXSC). Also called: MENTAL RETARDATION, X-LINKED, SYNDROMIC 15; Intellectual developmental disorder, X-linked syndromic, Cabezas type; CABEZAS SYNDROME. Identifiers: Orphanet 85289, Orphanet 85293, MedGen C1845861, MONDO:0010306, OMIM 300354.

Allele frequency attached by ClinVar (database versions not stated): gnomAD exomes 0.00008 and 0.00020; ExAC 0.00010; 1000 Genomes Project 30x 0.00042; gnomAD 0.00013; TOPMed 0.00016; 1000 Genomes Project 0.00053.
gnomAD v4.1: 107 of 1,195,779 alleles (0.0089%); highest among the groups gnomAD compares: Middle Eastern, 0.046%; no homozygotes.

Submissions (4):

CeGaT Center for Human Genetics Tuebingen
Classification: Likely benign. Last evaluated: 2025-10-01. Review status: criteria provided, single submitter. Criteria: CeGaT Center For Human Genetics Tuebingen Variant Classification Criteria Version 2. Collection method: clinical testing. Allele origin: germline. Affected: yes. Observed: 2 variant alleles.
Comment: CUL4B: BP4, BP7, BS2

Labcorp Genetics (formerly Invitae), Labcorp
Classification: Benign for X-linked intellectual disability Cabezas type. Last evaluated: 2025-07-03. Review status: criteria provided, single submitter. Criteria: Invitae Variant Classification Sherloc (09022015). Collection method: clinical testing. Allele origin: germline.

Blueprint Genetics
Classification: Likely benign. Last evaluated: 2019-03-12. Review status: criteria provided, single submitter. Criteria: ACMG Guidelines, 2015. Collection method: clinical testing. Allele origin: germline.

Genetic Services Laboratory, University of Chicago
Classification: Benign. Last evaluated: 2019-03-07. Review status: criteria provided, single submitter. Criteria: ACMG Guidelines, 2015. Collection method: clinical testing. Allele origin: germline. Affected: no.